The following is an entry in ClinVar:

Single allele

Gene: MAN2B1 (mannosidase alpha class 2B member 1; minus strand). Cytogenetic location: 19p13.2.
Variant type: Deletion.
Identifiers: ClinVar variation 1120170 (VCV001120170.5).

ClinVar aggregate classification (germline): Likely pathogenic (1 of 4 stars; one submission).

Submission:

Mayo Clinic Laboratories, Mayo Clinic
Classification: Likely pathogenic. Last evaluated: 2019-12-25. Review status: criteria provided, single submitter. Criteria: ACMG Guidelines, 2015. Collection method: clinical testing. Allele origin: germline. Observed: 1 variant allele.
Comment: A deletion involving exons 8-24 of the MAN2B1 gene.

Literature cited by the submitters: PubMed 22161967; PubMed 26633542.